The following is an entry in ClinVar:

NM_032608.7(MYO18B):c.5806A>C (p.Lys1936Gln)

Gene: MYO18B (myosin XVIIIB; plus strand). Cytogenetic location: 22q12.1.
Variant type: single nucleotide variant.
Coding change: c.5806A>C on transcript NM_032608.7 (MANE Select); coding-DNA position 5806, A replaced by C.
Protein change: p.Lys1936Gln; replaces lysine 1936 with glutamine.
Molecular consequence: missense variant.
Genome position (GRCh38, 1-based): chr22:25,950,424, A>C. VCF-style: chr22-25950424-A-C. GRCh37 (hg19) VCF-style: chr22-26346390-A-C.
Other names: c.5809A>C, p.Lys1937Gln (NM_001318245.2); c.5806A>C (NM_032608.5); short protein forms K1937Q, K1936Q.
Identifiers: ClinVar variation 1911137 (VCV001911137.5), dbSNP rs752390367, ClinGen allele CA10161285.

ClinVar aggregate classification (germline): Uncertain significance. Review status: criteria provided, multiple submitters, no conflicts (2 of 4 stars). 4 submissions from 4 submitters: Uncertain significance (4). Last evaluated 2024-07-23.

Conditions:
Inborn genetic diseases. Identifiers: MedGen C0950123, MeSH D030342.

Allele frequency attached by ClinVar (database versions not stated): ExAC 0.00001; gnomAD exomes 0.00001; gnomAD 0.00003; TOPMed 0.00006.
gnomAD v4.1: 13 of 1,608,212 alleles (0.00081%); highest among the groups gnomAD compares: Middle Eastern, 0.016%; no homozygotes.

Submissions (4):

Ambry Genetics
Classification: Uncertain significance for Inborn genetic diseases. Last evaluated: 2024-07-23. Review status: criteria provided, single submitter. Criteria: Ambry Variant Classification Scheme 2023. Collection method: clinical testing. Allele origin: germline.

GeneDx
Classification: Uncertain significance. Last evaluated: 2024-05-08. Review status: criteria provided, single submitter. Criteria: GeneDx Variant Classification Process June 2021. Collection method: clinical testing. Allele origin: germline. Affected: yes.
Comment: Not observed at significant frequency in large population cohorts (gnomAD); In silico analysis supports that this missense variant has a deleterious effect on protein structure/function; Has not been previously published as pathogenic or benign to our knowledge

Blueprint Genetics
Classification: Uncertain significance. Last evaluated: 2023-12-22. Review status: criteria provided, single submitter. Criteria: ACMG Guidelines, 2015. Collection method: clinical testing. Allele origin: germline.

Labcorp Genetics (formerly Invitae), Labcorp
Classification: Uncertain significance. Last evaluated: 2022-09-19. Review status: criteria provided, single submitter. Criteria: Invitae Variant Classification Sherloc (09022015). Collection method: clinical testing. Allele origin: germline.
Comment: This sequence change replaces lysine, which is basic and polar, with glutamine, which is neutral and polar, at codon 1936 of the MYO18B protein (p.Lys1936Gln). This variant is present in population databases (rs752390367, gnomAD 0.003%). This variant has not been reported in the literature in individuals affected with MYO18B-related conditions. Algorithms developed to predict the effect of missense changes on protein structure and function are either unavailable or do not agree on the potential impact of this missense change (SIFT: "Not Available"; PolyPhen-2: "Benign"; Align-GVGD: "Not Available"). In summary, the available evidence is currently insufficient to determine the role of this variant in disease. Therefore, it has been classified as a Variant of Uncertain Significance.